The following is an entry in ClinVar:

ClinVar aggregate classification (germline): Conflicting classifications of pathogenicity. Review status: criteria provided, conflicting classifications (1 of 4 stars). 6 submissions from 6 submitters: Uncertain significance (1); Likely benign (4). 1 of the submissions does not count toward it. Last evaluated 2025-11-13.

Conditions:
Hereditary cancer-predisposing syndrome. Also called: Neoplastic Syndromes, Hereditary; Tumor predisposition; Hereditary Cancer Syndrome; Hereditary neoplastic syndrome. Identifiers: Orphanet 140162, MedGen C0027672, MeSH D009386, MONDO:0015356.
Bloom syndrome (BLM). Also called: Bloom-Torre-Machacek syndrome. Identifiers: Orphanet 125, MedGen C0005859, MONDO:0008876, OMIM 210900.

Allele frequency attached by ClinVar (database versions not stated): gnomAD exomes 0.00001 and 0.00008; TOPMed 0.00003; gnomAD 0.00005; ExAC 0.00009; 1000 Genomes Project 0.00020; 1000 Genomes Project 30x 0.00031.

Submissions (6):

Labcorp Genetics (formerly Invitae), Labcorp
Classification: Likely benign for Bloom syndrome. Last evaluated: 2025-11-13. Review status: criteria provided, single submitter. Criteria: Invitae Variant Classification Sherloc (09022015). Collection method: clinical testing. Allele origin: germline.

Quest Diagnostics Nichols Institute San Juan Capistrano
Classification: Likely benign. Last evaluated: 2025-09-10. Review status: criteria provided, single submitter. Criteria: Quest Diagnostics criteria. Collection method: clinical testing. Allele origin: unknown.

GeneDx
Classification: Uncertain significance. Last evaluated: 2024-01-07. Review status: criteria provided, single submitter. Criteria: GeneDx Variant Classification Process June 2021. Collection method: clinical testing. Allele origin: germline. Affected: yes.
Comment: Has not been previously published as pathogenic or benign to our knowledge; In silico analysis is inconclusive as to whether the variant alters gene splicing. In the absence of RNA/functional studies, the actual effect of this sequence change is unknown

Blueprint Genetics
Classification: Likely benign. Last evaluated: 2022-01-21. Review status: criteria provided, single submitter. Criteria: ACMG Guidelines, 2015. Collection method: clinical testing. Allele origin: germline.

Ambry Genetics
Classification: Likely benign for Hereditary cancer-predisposing syndrome. Last evaluated: 2017-12-18. Review status: criteria provided, single submitter. Criteria: Ambry Variant Classification Scheme 2023. Collection method: clinical testing. Allele origin: germline.

Natera, Inc.
Classification: Likely benign for Bloom syndrome. Last evaluated: 2020-09-16. Review status: no assertion criteria provided. Collection method: clinical testing. Allele origin: germline. Not counted in ClinVar's aggregate classification.

Literature cited by the submitters: PubMed 38509102 (cited by Quest Diagnostics Nichols Institute San Juan Capistrano).

NM_000057.4(BLM):c.2049A>G (p.Glu683=)

Gene: BLM (BLM RecQ like helicase; plus strand). Cytogenetic location: 15q26.1.
Variant type: single nucleotide variant.
Coding change: c.2049A>G on transcript NM_000057.4 (MANE Select); coding-DNA position 2049, A replaced by G.
Protein change: p.Glu683=; no amino-acid change (glutamic acid 683 retained).
Molecular consequence: synonymous variant.
Genome position (GRCh38, 1-based): chr15:90,763,132, A>G. VCF-style: chr15-90763132-A-G. GRCh37 (hg19) VCF-style: chr15-91306362-A-G.
Other names: c.2049A>G, p.Glu683= (NM_001287246.2, NM_001287247.2); c.924A>G, p.Glu308= (NM_001287248.2).
Identifiers: ClinVar variation 413301 (VCV000413301.20), dbSNP rs201440695, ClinGen allele CA7738637.